The following is an entry in ClinVar:

ClinVar aggregate classification (germline): Uncertain significance (1 of 4 stars; one submission).

Conditions:
Ullrich congenital muscular dystrophy 1A. Also called: Ullrich congenital muscular dystrophy 1; Intermediate COL6-RD. Identifiers: Orphanet 75840, MedGen C0410179, MONDO:0009681, OMIM 254090.

Submission:

MVZ Medizinische Genetik Mainz
Classification: Uncertain significance for Ullrich congenital muscular dystrophy 1A. Last evaluated: 2026-04-28. Review status: criteria provided, single submitter. Criteria: UK Practice Guidelines For Variant Classification V4 01 2020. Collection method: clinical testing. Allele origin: germline. Inheritance: Autosomal dominant inheritance. Affected: yes. Observed: 1 variant allele.
Comment: ACMG Criteria: PM1,PM2_SUP,BP4

NM_001849.4(COL6A2):c.1612G>A (p.Gly538Ser)

Gene: COL6A2 (collagen type VI alpha 2 chain; plus strand). Cytogenetic location: 21q22.3.
Variant type: single nucleotide variant.
Coding change: c.1612G>A on transcript NM_001849.4 (MANE Select); coding-DNA position 1612, G replaced by A.
Protein change: p.Gly538Ser; replaces glycine 538 with serine.
Molecular consequence: missense variant.
Genome position (GRCh38, 1-based): chr21:46,122,878, G>A. VCF-style: chr21-46122878-G-A. GRCh37 (hg19) VCF-style: chr21-47542792-G-A.
Other names: c.1612G>A, p.Gly538Ser (NM_058174.3, NM_058175.3); short protein forms G538S.
Identifiers: ClinVar variation 4852332 (VCV004852332.1).
Genomic context (GRCh38, chr21:46,122,878, plus strand): 5'-GTGTCCCTGGTAGAGACAGCTCCTCTGTCCCAGGCTAACATGTGTTCCCTGTCACAGGGA[G>A]GCCGAGGCGACTTTGGCTTGAAAGGAGAACCTGGGAGGAAAGGAGAGAAAGGAGAGCCTG-3'
Protein context (NP_001840.3, residues 528-548): GEPGPRGPEG[Gly538Ser]RGDFGLKGEP